The following is an entry in ClinVar:

ClinVar aggregate classification (germline): Uncertain significance (1 of 4 stars; one submission).

Allele frequency attached by ClinVar (database versions not stated): TOPMed 0.00001; gnomAD 0.00001.
gnomAD v4.1: 5 of 1,521,952 alleles (0.00033%); highest among the groups gnomAD compares: Non-Finnish European, 0.00046%; no homozygotes.

Submission:

Labcorp Genetics (formerly Invitae), Labcorp
Classification: Uncertain significance. Last evaluated: 2021-09-24. Review status: criteria provided, single submitter. Criteria: Invitae Variant Classification Sherloc (09022015). Collection method: clinical testing. Allele origin: germline.
Comment: This sequence change replaces serine with phenylalanine at codon 1323 of the LRPPRC protein (p.Ser1323Phe). The serine residue is weakly conserved and there is a large physicochemical difference between serine and phenylalanine. This variant is not present in population databases (ExAC no frequency). This variant has not been reported in the literature in individuals with LRPPRC-related conditions. Algorithms developed to predict the effect of missense changes on protein structure and function output the following: SIFT: "Tolerated"; PolyPhen-2: "Benign"; Align-GVGD: "Class C0". The phenylalanine amino acid residue is found in multiple mammalian species, suggesting that this missense change does not adversely affect protein function. These predictions have not been confirmed by published functional studies and their clinical significance is uncertain. In summary, the available evidence is currently insufficient to determine the role of this variant in disease. Therefore, it has been classified as a Variant of Uncertain Significance.

NM_133259.4(LRPPRC):c.3968C>T (p.Ser1323Phe)

Gene: LRPPRC (leucine rich pentatricopeptide repeat containing; minus strand). Cytogenetic location: 2p21.
Variant type: single nucleotide variant.
Coding change: c.3968C>T on transcript NM_133259.4 (MANE Select); coding-DNA position 3968, C replaced by T.
Protein change: p.Ser1323Phe; replaces serine 1323 with phenylalanine.
Molecular consequence: missense variant.
Genome position (GRCh38, 1-based): chr2:43,894,562, G>A on the plus strand (C>T on the coding strand, the complement: LRPPRC is on the minus strand). VCF-style: chr2-43894562-G-A. GRCh37 (hg19) VCF-style: chr2-44121701-G-A.
Other names: short protein forms S1323F.
Identifiers: ClinVar variation 1422087 (VCV001422087.5), dbSNP rs1246328999, ClinGen allele CA346674756.